The following is an entry in ClinVar:

NM_005634.3(SOX3):c.398G>T (p.Gly133Val)

Gene: SOX3 (SRY-box transcription factor 3; minus strand). Cytogenetic location: Xq27.1.
Variant type: single nucleotide variant.
Coding change: c.398G>T on transcript NM_005634.3 (MANE Select); coding-DNA position 398, G replaced by T.
Protein change: p.Gly133Val; replaces glycine 133 with valine.
Molecular consequence: missense variant.
Genome position (GRCh38, 1-based): chrX:140,504,663, C>A on the plus strand (G>T on the coding strand, the complement: SOX3 is on the minus strand). VCF-style: chrX-140504663-C-A. GRCh37 (hg19) VCF-style: chrX-139586828-C-A.
Other names: short protein forms G133V.
Identifiers: ClinVar variation 286290 (VCV000286290.16), dbSNP rs752249343, ClinGen allele CA10605429.

ClinVar aggregate classification (germline): Uncertain significance. Review status: criteria provided, multiple submitters, no conflicts (2 of 4 stars). 5 submissions from 5 submitters: Uncertain significance (4). 1 of the submissions does not count toward it. Last evaluated 2021-12-27.

Conditions:
SOX3-related disorder. Also called: SOX3-Related Disorders; SOX3-related condition.

Allele frequency attached by ClinVar (database versions not stated): gnomAD 0.00001.

Submissions (5):

Revvity Omics, Revvity
Classification: Uncertain significance. Last evaluated: 2021-12-27. Review status: criteria provided, single submitter. Criteria: ACMG Guidelines, 2015. Collection method: clinical testing. Allele origin: germline.

Labcorp Genetics (formerly Invitae), Labcorp
Classification: Uncertain significance. Last evaluated: 2021-10-09. Review status: criteria provided, single submitter. Criteria: Invitae Variant Classification Sherloc (09022015). Collection method: clinical testing. Allele origin: germline.
Comment: This variant has not been reported in the literature in individuals affected with SOX3-related conditions. This sequence change replaces glycine with valine at codon 133 of the SOX3 protein (p.Gly133Val). The glycine residue is weakly conserved and there is a moderate physicochemical difference between glycine and valine. This variant is not present in population databases (ExAC no frequency). ClinVar contains an entry for this variant (Variation ID: 286290). Algorithms developed to predict the effect of missense changes on protein structure and function (SIFT, PolyPhen-2, Align-GVGD) all suggest that this variant is likely to be tolerated. In summary, the available evidence is currently insufficient to determine the role of this variant in disease. Therefore, it has been classified as a Variant of Uncertain Significance.

Eurofins Ntd Llc (ga)
Classification: Uncertain significance. Last evaluated: 2016-03-04. Review status: criteria provided, single submitter. Criteria: EGL Classification Definitions 2015. Collection method: clinical testing. Allele origin: germline. Observed: 1 variant allele, 1 hemizygote.

Ambry Genetics
Classification: Uncertain significance. Last evaluated: 2015-06-19. Review status: criteria provided, single submitter. Criteria: Ambry Variant Classification Scheme 2023. Collection method: clinical testing. Allele origin: germline.
Comment: The p.G133V variant (also known as c.398G>T), located in coding exon 1 of the SOX3 gene, results from a G to T substitution at nucleotide position 398. The glycine at codon 133 is replaced by valine, an amino acid with dissimilar properties. This variant was not reported in population based cohorts in the following databases: Database of Single Nucleotide Polymorphisms (dbSNP), NHLBI Exome Sequencing Project (ESP), and 1000 Genomes Project. In the ESP, this variant was not observed in 6502 samples with coverage at this position. This amino acid position is not well conserved in available vertebrate species. In addition, the in silico prediction for this alteration is inconclusive. Since supporting evidence is limited at this time, the clinical significance of this variant remains unclear.

PreventionGenetics, part of Exact Sciences
Classification: Uncertain significance for SOX3-related condition. Last evaluated: 2024-09-25. Review status: no assertion criteria provided. Collection method: clinical testing. Allele origin: germline. Not counted in ClinVar's aggregate classification.
Comment: The SOX3 c.398G>T variant is predicted to result in the amino acid substitution p.Gly133Val. To our knowledge, this variant has not been reported in the literature. This variant is reported in 0.0074% of alleles in individuals of Latino descent in gnomAD. At this time, the clinical significance of this variant is uncertain due to the absence of conclusive functional and genetic evidence.